The following is an entry in ClinVar:

NM_000168.6(GLI3):c.667_668del (p.Ser223fs)

Gene: GLI3 (GLI family zinc finger 3; minus strand). Cytogenetic location: 7p14.1.
Variant type: Deletion.
Coding change: c.667_668del on transcript NM_000168.6 (MANE Select); coding-DNA positions 667 to 668, 2 bases deleted (AG; older notation c.667_668delAG).
Protein change: p.Ser223fs; shifts the reading frame from serine 223.
Molecular consequence: frameshift variant.
Genome position (GRCh38, 1-based): chr7:42,048,502-42,048,503, CT deleted on the plus strand (AG on the coding strand, the reverse complement: GLI3 is on the minus strand); deleting any 2 consecutive bases within chr7:42,048,502-42,048,504 gives the same sequence; the c. name uses the placement nearest the transcript's 3' end. VCF-style (leftmost placement, unchanged base first): chr7-42048501-GCT-G. GRCh37 (hg19) VCF-style: chr7-42088100-GCT-G.
Other names: short protein forms S223fs.
Identifiers: ClinVar variation 3759023 (VCV003759023.2).

ClinVar aggregate classification (germline): Pathogenic (1 of 4 stars; one submission).

Conditions:
Pallister-Hall syndrome (PHS). Also called: HYPOTHALAMIC HAMARTOBLASTOMA, HYPOPITUITARISM, IMPERFORATE ANUS, AND POSTAXIAL POLYDACTYLY; GLI3-Related Pallister-Hall Syndrome. Identifiers: Orphanet 672, MedGen C0265220, MONDO:0007804, OMIM 146510.
Greig cephalopolysyndactyly syndrome (GCPS). Also called: GLI3-Related Greig Cephalopolysyndactyly Syndrome; POLYSYNDACTYLY WITH PECULIAR SKULL SHAPE; Greig syndrome. Identifiers: Orphanet 380, MedGen C0265306, MONDO:0008287, OMIM 175700.

Submission:

Labcorp Genetics (formerly Invitae), Labcorp
Classification: Pathogenic for Pallister-Hall syndrome; Greig cephalopolysyndactyly syndrome. Last evaluated: 2024-09-19. Review status: criteria provided, single submitter. Criteria: Invitae Variant Classification Sherloc (09022015). Collection method: clinical testing. Allele origin: germline.
Comment: This sequence change creates a premature translational stop signal (p.Ser223Profs*53) in the GLI3 gene. It is expected to result in an absent or disrupted protein product. Loss-of-function variants in GLI3 are known to be pathogenic (PMID: 10441570, 15739154, 18000979, 24736735). This variant is not present in population databases (gnomAD no frequency). This variant has not been reported in the literature in individuals affected with GLI3-related conditions. For these reasons, this variant has been classified as Pathogenic.

Literature cited by the submitters: PubMed 10441570; PubMed 15739154; PubMed 18000979; PubMed 24736735.